The following is an entry in ClinVar:

NM_002397.5(MEF2C):c.402+106A>G

Gene: MEF2C (myocyte enhancer factor 2C; minus strand). Cytogenetic location: 5q14.3.
Variant type: single nucleotide variant.
Coding change: c.402+106A>G on transcript NM_002397.5 (MANE Select); 106 bases into the intron after coding-DNA position 402, A replaced by G.
Molecular consequence: intron variant. On other transcripts: missense variant (5).
Genome position (GRCh38, 1-based): chr5:88,761,079, T>C on the plus strand (A>G on the coding strand, the complement: MEF2C is on the minus strand). VCF-style: chr5-88761079-T-C. GRCh37 (hg19) VCF-style: chr5-88056896-T-C.
Other names: c.305A>G, p.Asp102Gly (NM_001131005.2, NM_001364343.2, NM_001364352.2); c.365A>G, p.Asp122Gly (NM_001193347.1, NM_001364338.2); c.402+106A>G (NM_001364329.2, NM_001364330.2, NM_001364333.2 and 18 more transcripts); c.259-9036A>G (NM_001364344.2, NM_001364354.2, NM_001364332.2 and 3 more transcripts); c.24+106A>G (NM_001364353.2, NM_001364356.2); c.-24-9036A>G (NM_001364357.2); short protein forms D102G, D122G.
Identifiers: ClinVar variation 2446673 (VCV002446673.1), dbSNP rs2548160823, ClinGen allele CA360424280.

ClinVar aggregate classification (germline): Uncertain significance (1 of 4 stars; one submission).

Submission:

GeneDx
Classification: Uncertain significance. Last evaluated: 2022-09-30. Review status: criteria provided, single submitter. Criteria: GeneDx Variant Classification Process June 2021. Collection method: clinical testing. Allele origin: germline. Affected: yes.
Comment: Not observed at significant frequency in large population cohorts (gnomAD); In silico analysis supports a deleterious effect on splicing; Has not been previously published as pathogenic or benign to our knowledge; Reported using an alternate transcript of the gene